The following is an entry in ClinVar:

NM_006045.3(ATP9A):c.2700G>A (p.Ser900=)

Genes: ATP9A (ATPase phospholipid transporting 9A; minus strand), LOC126863053 (CDK7 strongly-dependent group 2 enhancer GRCh37_chr20:50224727-50225926; plus strand). Cytogenetic location: 20q13.2.
Variant type: single nucleotide variant.
Coding change: c.2700G>A on transcript NM_006045.3 (MANE Select); coding-DNA position 2700, G replaced by A.
Protein change: p.Ser900=; no amino-acid change (serine 900 retained).
Molecular consequence: synonymous variant.
Genome position (GRCh38, 1-based): chr20:51,608,563, C>T on the plus strand (G>A on the coding strand, the complement: ATP9A is on the minus strand). VCF-style: chr20-51608563-C-T. GRCh37 (hg19) VCF-style: chr20-50225102-C-T.
Identifiers: ClinVar variation 4083594 (VCV004083594.9).
Genomic context (GRCh38, chr20:51,608,563, plus strand): 5'-AAAAGCTAACAGAACCTTGAGAAGATCCTTGTAGAGCTCAGGATACAGCATGGCAACTTC[C>T]GATTTGACATCTTTGTCCAGGACCAGAGAAAACACAGGAAACATGGTGTAAATTGTGGAG-3'
Protein context (NP_006036.1, residues 890-910): FSLVLDKDVK[Ser900=]EVAMLYPELY

ClinVar aggregate classification (germline): Likely benign. Review status: criteria provided, multiple submitters, no conflicts (2 of 4 stars). 2 submissions from 2 submitters: Likely benign (2). Last evaluated 2025-07-01.

gnomAD v4.1: 1,310 of 1,613,552 alleles (0.081%); highest among the groups gnomAD compares: South Asian, 0.2%; no homozygotes.

Submissions (2):

CeGaT Center for Human Genetics Tuebingen
Classification: Likely benign. Last evaluated: 2025-07-01. Review status: criteria provided, single submitter. Criteria: CeGaT Center For Human Genetics Tuebingen Variant Classification Criteria Version 2. Collection method: clinical testing. Allele origin: germline. Affected: yes. Observed: 1 variant allele.
Comment: ATP9A: BP4, BP7

Blueprint Genetics
Classification: Likely benign. Last evaluated: 2024-11-21. Review status: criteria provided, single submitter. Criteria: ACMG Guidelines, 2015. Collection method: clinical testing. Allele origin: germline.